The following is an entry in ClinVar:

ClinVar aggregate classification (germline): Uncertain significance (1 of 4 stars; one submission).

Conditions:
Noonan syndrome 8 (NS8). Identifiers: Orphanet 648, MedGen C3809233, MONDO:0014143, OMIM 615355.

Submission:

Labcorp Genetics (formerly Invitae), Labcorp
Classification: Uncertain significance for Noonan syndrome 8. Last evaluated: 2024-07-02. Review status: criteria provided, single submitter. Criteria: Invitae Variant Classification Sherloc (09022015). Collection method: clinical testing. Allele origin: germline.
Comment: This sequence change replaces leucine, which is neutral and non-polar, with proline, which is neutral and non-polar, at codon 138 of the RIT1 protein (p.Leu138Pro). This variant is not present in population databases (gnomAD no frequency). This variant has not been reported in the literature in individuals affected with RIT1-related conditions. Advanced modeling of protein sequence and biophysical properties (such as structural, functional, and spatial information, amino acid conservation, physicochemical variation, residue mobility, and thermodynamic stability) performed at Invitae indicates that this missense variant is expected to disrupt RIT1 protein function with a positive predictive value of 95%. In summary, the available evidence is currently insufficient to determine the role of this variant in disease. Therefore, it has been classified as a Variant of Uncertain Significance.

NM_006912.6(RIT1):c.413T>C (p.Leu138Pro)

Gene: RIT1 (Ras like without CAAX 1; minus strand). Cytogenetic location: 1q22.
Variant type: single nucleotide variant.
Coding change: c.413T>C on transcript NM_006912.6 (MANE Select); coding-DNA position 413, T replaced by C.
Protein change: p.Leu138Pro; replaces leucine 138 with proline.
Molecular consequence: missense variant.
Genome position (GRCh38, 1-based): chr1:155,904,327, A>G on the plus strand (T>C on the coding strand, the complement: RIT1 is on the minus strand). VCF-style: chr1-155904327-A-G. GRCh37 (hg19) VCF-style: chr1-155874118-A-G.
Other names: c.305T>C, p.Leu102Pro (NM_001256820.2); c.464T>C, p.Leu155Pro (NM_001256821.2); short protein forms L138P, L102P, L155P.
Identifiers: ClinVar variation 3633615 (VCV003633615.2).